The following is an entry in ClinVar:

NM_020791.4(TAOK1):c.29T>G (p.Leu10Arg)

Gene: TAOK1 (TAO kinase 1; plus strand). Cytogenetic location: 17q11.2.
Variant type: single nucleotide variant.
Coding change: c.29T>G on transcript NM_020791.4 (MANE Select); coding-DNA position 29, T replaced by G.
Protein change: p.Leu10Arg; replaces leucine 10 with arginine.
Molecular consequence: missense variant.
Genome position (GRCh38, 1-based): chr17:29,451,577, T>G. VCF-style: chr17-29451577-T-G. GRCh37 (hg19) VCF-style: chr17-27778595-T-G.
Other names: c.29T>G, p.Leu10Arg (NM_025142.1); short protein forms L10R.
Identifiers: ClinVar variation 3384394 (VCV003384394.1).
Genomic context (GRCh38, chr17:29,451,577, plus strand): 5'-ATTAGAATCAAGACAGCTGACTGCTCAGCAGGATGCCATCAACTAACAGAGCAGGCAGCC[T>G]GAAGGACCCTGAAATTGCAGAGCTCTTCTTCAAAGAAGATCCAGAGAAGCTCTTCACAGA-3'
Protein context (NP_065842.1, residues 1-20): MPSTNRAGS[Leu10Arg]KDPEIAELFF

ClinVar aggregate classification (germline): Uncertain significance (1 of 4 stars; one submission).

Submission:

GeneDx
Classification: Uncertain significance. Last evaluated: 2024-06-04. Review status: criteria provided, single submitter. Criteria: GeneDx Variant Classification Process June 2021. Collection method: clinical testing. Allele origin: germline. Affected: yes.
Comment: Not observed at significant frequency in large population cohorts (gnomAD); In silico analysis supports that this missense variant has a deleterious effect on protein structure/function; Has not been previously published as pathogenic or benign to our knowledge